The following is an entry in ClinVar:

ClinVar aggregate classification (germline): Uncertain significance. Review status: criteria provided, multiple submitters, no conflicts (2 of 4 stars). 2 submissions from 2 submitters: Uncertain significance (2). Last evaluated 2022-12-28.

Conditions:
3-methylglutaconic aciduria type 5. Also called: CARDIOMYOPATHY, DILATED, WITH ATAXIA; MGA, TYPE V; 3 alpha methylglutaconic aciduria type V; MGA 5. Identifiers: Orphanet 66634, MedGen C1857776, MONDO:0012435, OMIM 610198.

Submissions (2):

Clinical Genomics Laboratory, Stanford Medicine
Classification: Uncertain significance for 3-methylglutaconic aciduria type 5. Last evaluated: 2022-12-28. Review status: criteria provided, single submitter. Criteria: ACMG Guidelines, 2015. Collection method: clinical testing. Allele origin: germline. Observed: 1 variant allele, 1 heterozygote.
Comment: The p.Gly68Asp variant in the DNAJC19 gene has not been previously reported in association with disease. This variant was absent from large population databases, including the Genome Aggregation Database. Computational tools predict that this variant is neither deleterious nor benign; however, the accuracy of in silico algorithms is limited. These data were assessed using the ACMG/AMP variant interpretation guidelines. In summary, the significance of the p.Gly68Asp variant is uncertain. Additional information is needed to resolve the significance of this variant. [ACMG evidence codes used: PM2]

Labcorp Genetics (formerly Invitae), Labcorp
Classification: Uncertain significance for 3-methylglutaconic aciduria type 5. Last evaluated: 2022-04-11. Review status: criteria provided, single submitter. Criteria: Invitae Variant Classification Sherloc (09022015). Collection method: clinical testing. Allele origin: germline.
Comment: In summary, the available evidence is currently insufficient to determine the role of this variant in disease. Therefore, it has been classified as a Variant of Uncertain Significance. Algorithms developed to predict the effect of sequence changes on RNA splicing suggest that this variant may create or strengthen a splice site. Algorithms developed to predict the effect of missense changes on protein structure and function (SIFT, PolyPhen-2, Align-GVGD) all suggest that this variant is likely to be tolerated. This variant has not been reported in the literature in individuals affected with DNAJC19-related conditions. This variant is not present in population databases (gnomAD no frequency). This sequence change replaces glycine, which is neutral and non-polar, with aspartic acid, which is acidic and polar, at codon 68 of the DNAJC19 protein (p.Gly68Asp).

NM_145261.4(DNAJC19):c.203G>A (p.Gly68Asp)

Gene: DNAJC19 (DnaJ heat shock protein family (Hsp40) member C19; minus strand). Cytogenetic location: 3q26.33.
Variant type: single nucleotide variant.
Coding change: c.203G>A on transcript NM_145261.4 (MANE Select); coding-DNA position 203, G replaced by A.
Protein change: p.Gly68Asp; replaces glycine 68 with aspartic acid.
Molecular consequence: missense variant. On other transcripts: non-coding transcript variant (1).
Genome position (GRCh38, 1-based): chr3:180,986,949, C>T on the plus strand (G>A on the coding strand, the complement: DNAJC19 is on the minus strand). VCF-style: chr3-180986949-C-T. GRCh37 (hg19) VCF-style: chr3-180704737-C-T.
Other names: c.128G>A, p.Gly43Asp (NM_001190233.2); short protein forms G43D, G68D.
Identifiers: ClinVar variation 2201358 (VCV002201358.3), dbSNP rs2108508819, ClinGen allele CA355472413.
Genomic context (GRCh38, chr3:180,986,949, plus strand): 5'-CCTCATGGCTCTACAGTGGTAGAAAAATGCTAAAAATATTAGAGATTATTTTACCTTACA[C>T]CTAGTATTAATGCTGCTTCCCGTTTTGTCATTTTGGGTTCAAACCCACCTCTATAATAGC-3'
Protein context (NP_660304.1, residues 58-78): MTKREAALIL[Gly68Asp]VSPTANKGKI